The following is an entry in ClinVar:

NM_005732.4(RAD50):c.3604A>G (p.Ser1202Gly)

Genes: TH2LCRR (T helper type 2 locus control region associated RNA; minus strand), TH2-LCR (Th2 cytokine locus control region; plus strand), RAD50 (RAD50 double strand break repair protein; plus strand). Cytogenetic location: 5q31.1.
Variant type: single nucleotide variant.
Coding change: c.3604A>G on transcript NM_005732.4 (MANE Select); coding-DNA position 3604, A replaced by G.
Protein change: p.Ser1202Gly; replaces serine 1202 with glycine.
Molecular consequence: missense variant. On other transcripts: non-coding transcript variant (3).
Genome position (GRCh38, 1-based): chr5:132,638,209, A>G. VCF-style: chr5-132638209-A-G. GRCh37 (hg19) VCF-style: chr5-131973901-A-G.
Other names: short protein forms S1202G.
Identifiers: ClinVar variation 1733136 (VCV001733136.3), dbSNP rs2479428146, ClinGen allele CA360932401.

ClinVar aggregate classification (germline): Uncertain significance (1 of 4 stars; one submission).

Conditions:
Hereditary cancer-predisposing syndrome. Also called: Neoplastic Syndromes, Hereditary; Tumor predisposition; Hereditary Cancer Syndrome; Hereditary neoplastic syndrome. Identifiers: Orphanet 140162, MedGen C0027672, MeSH D009386, MONDO:0015356.

Submission:

Ambry Genetics
Classification: Uncertain significance for Hereditary cancer-predisposing syndrome. Last evaluated: 2023-08-30. Review status: criteria provided, single submitter. Criteria: Ambry Variant Classification Scheme 2023. Collection method: clinical testing. Allele origin: germline.
Comment: The p.S1202G variant (also known as c.3604A>G), located in coding exon 23 of the RAD50 gene, results from an A to G substitution at nucleotide position 3604. The serine at codon 1202 is replaced by glycine, an amino acid with similar properties. This amino acid position is highly conserved in available vertebrate species. In addition, this alteration is predicted to be deleterious by in silico analysis. Since supporting evidence is limited at this time, the clinical significance of this alteration remains unclear.